The following is an entry in ClinVar:

NM_000053.4(ATP7B):c.4106C>T (p.Ser1369Leu)

Gene: ATP7B (ATPase copper transporting beta; minus strand). Cytogenetic location: 13q14.3.
Variant type: single nucleotide variant.
Coding change: c.4106C>T on transcript NM_000053.4 (MANE Select); coding-DNA position 4106, C replaced by T.
Protein change: p.Ser1369Leu; replaces serine 1369 with leucine.
Molecular consequence: missense variant.
Genome position (GRCh38, 1-based): chr13:51,935,611, G>A on the plus strand (C>T on the coding strand, the complement: ATP7B is on the minus strand). VCF-style: chr13-51935611-G-A. GRCh37 (hg19) VCF-style: chr13-52509747-G-A.
Other names: c.3485C>T, p.Ser1162Leu (NM_001005918.3); c.3773C>T, p.Ser1258Leu (NM_001243182.2); c.3872C>T, p.Ser1291Leu (NM_001330578.2); c.3854C>T, p.Ser1285Leu (NM_001330579.2); short protein forms S1369L, S1258L, S1291L, S1162L, S1285L.
Identifiers: ClinVar variation 556300 (VCV000556300.6), dbSNP rs1555282678, ClinGen allele CA388020010.

ClinVar aggregate classification (germline): Conflicting classifications of pathogenicity. Review status: criteria provided, conflicting classifications (1 of 4 stars). 5 submissions from 5 submitters: Pathogenic (1); Likely pathogenic (2); Uncertain significance (1). 1 of the submissions does not count toward it. Last evaluated 2024-06-04.

Conditions:
Wilson disease (WND). Also called: Wilson's disease. Identifiers: Orphanet 905, MedGen C0019202, MONDO:0010200, OMIM 277900. Disease mechanism: loss of function.

Allele frequency attached by ClinVar (database versions not stated): gnomAD exomes below 0.00001; TOPMed below 0.00001.
gnomAD v4.1: 1 of 1,613,662 alleles (0.000062%); highest among the groups gnomAD compares: South Asian, 0.0011%; no homozygotes.

Submissions (5):

Fulgent Genetics
Classification: Likely pathogenic for Wilson disease. Last evaluated: 2024-06-04. Review status: criteria provided, single submitter. Criteria: ACMG Guidelines, 2015. Collection method: clinical testing. Allele origin: germline.

Women's Health and Genetics/Laboratory Corporation of America, LabCorp
Classification: Uncertain significance. Last evaluated: 2024-05-31. Review status: criteria provided, single submitter. Criteria: LabCorp Variant Classification Summary - May 2015. Collection method: clinical testing. Allele origin: germline.
Comment: Variant summary: ATP7B c.4106C>T (p.Ser1369Leu) results in a non-conservative amino acid change in the encoded protein sequence. Five of five in-silico tools predict a damaging effect of the variant on protein function. The variant was absent in 246918 control chromosomes. c.4106C>T has been reported in the literature in the homozygous, compound heterozygous, or unknown state (2nd allele not specified) in individuals affected with Wilson Disease (example, Lepori_2007, Li_2013, Nicastro_2010, Zarina_2017). These data indicate that the variant may be associated with disease. To our knowledge, no experimental evidence demonstrating an impact on protein function has been reported. The following publications have been ascertained in the context of this evaluation (PMID: 17949296, 23235335, 20967755, 24661374, 31942415, 28717664). ClinVar contains an entry for this variant (Variation ID: 556300). Based on the evidence outlined above, the variant was classified as VUS-possibly pathogenic.

All of Us Research Program, National Institutes of Health
Classification: Likely pathogenic for Wilson disease. Last evaluated: 2024-03-14. Review status: criteria provided, single submitter. Criteria: ACMG Guidelines, 2015. Collection method: clinical testing. Allele origin: germline. Inheritance: Autosomal recessive inheritance. Observed: 1 variant allele, 1 heterozygote.
Comment: This missense variant replaces serine with leucine at codon 1369 of the ATP7B protein. Computational prediction suggests that this variant may have deleterious impact on protein structure and function (internally defined REVEL score threshold >= 0.7, PMID: 27666373). To our knowledge, functional studies have not been reported for this variant. This variant has been observed in two individuals affected with Wilson disease in homozygous state (PMID: 20967755) or in compound heterozygous state with another disease-causing variant (PMID: 28717664), indicating that this variant contributes to disease. This variant has not been identified in the general population by the Genome Aggregation Database (gnomAD). Based on the available evidence, this variant is classified as Likely Pathogenic.

This study involves interpretation of variants in research participants for the purpose of population health screening. Participant phenotype was not available at the time of variant classification. Additional details can be found in publication PMID: 35346344, PMCID: PMC8962531

Baylor Genetics
Classification: Pathogenic for Wilson disease. Last evaluated: 2022-07-07. Review status: criteria provided, single submitter. Criteria: ACMG Guidelines, 2015. Collection method: clinical testing. Allele origin: unknown.

Counsyl
Classification: Uncertain significance for Wilson disease. Last evaluated: 2018-01-30. Review status: no assertion criteria provided. Collection method: clinical testing. Allele origin: unknown. Not counted in ClinVar's aggregate classification.

Literature cited by the submitters: PubMed 17949296 (cited by Women's Health and Genetics/Laboratory Corporation of America, LabCorp and Counsyl); PubMed 20967755 (cited by 3 submitters); PubMed 23235335 (cited by Women's Health and Genetics/Laboratory Corporation of America, LabCorp); PubMed 24661374 (cited by Women's Health and Genetics/Laboratory Corporation of America, LabCorp); PubMed 31942415 (cited by Women's Health and Genetics/Laboratory Corporation of America, LabCorp); PubMed 28717664 (cited by 3 submitters).